The following is an entry in ClinVar:

NM_000063.6(C2):c.1155C>T (p.Pro385=)

Genes: C2 (complement C2; plus strand), C2-AS1 (C2 antisense RNA 1; minus strand). Cytogenetic location: 6p21.33.
Variant type: single nucleotide variant.
Coding change: c.1155C>T on transcript NM_000063.6 (MANE Select); coding-DNA position 1155, C replaced by T.
Protein change: p.Pro385=; no amino-acid change (proline 385 retained).
Molecular consequence: synonymous variant.
Genome position (GRCh38, 1-based): chr6:31,939,256, C>T. VCF-style: chr6-31939256-C-T. GRCh37 (hg19) VCF-style: chr6-31907033-C-T.
Other names: c.759C>T, p.Pro253= (NM_001145903.3); c.513C>T, p.Pro171= (NM_001178063.3); c.417C>T, p.Pro139= (NM_001282457.2); c.1068C>T, p.Pro356= (NM_001282458.2).
Identifiers: ClinVar variation 2192515 (VCV002192515.29), dbSNP rs369525640, ClinGen allele CA3727636.

ClinVar aggregate classification (germline): Likely benign. Review status: criteria provided, multiple submitters, no conflicts (2 of 4 stars). 3 submissions from 3 submitters: Likely benign (3). Last evaluated 2025-10-29.

Allele frequency attached by ClinVar (database versions not stated): gnomAD 0.00004; TOPMed 0.00005; gnomAD exomes 0.00007; ExAC 0.00009; ESP Exome Variant Server 0.00024.
gnomAD v4.1: 115 of 1,612,272 alleles (0.0071%); highest among the groups gnomAD compares: Non-Finnish European, 0.0092%; no homozygotes.

Submissions (3):

Labcorp Genetics (formerly Invitae), Labcorp
Classification: Likely benign. Last evaluated: 2025-10-29. Review status: criteria provided, single submitter. Criteria: Invitae Variant Classification Sherloc (09022015). Collection method: clinical testing. Allele origin: germline.

Blueprint Genetics
Classification: Likely benign. Last evaluated: 2024-01-23. Review status: criteria provided, single submitter. Criteria: ACMG Guidelines, 2015. Collection method: clinical testing. Allele origin: germline.

CeGaT Center for Human Genetics Tuebingen
Classification: Likely benign. Last evaluated: 2022-09-01. Review status: criteria provided, single submitter. Criteria: CeGaT Center For Human Genetics Tuebingen Variant Classification Criteria Version 2. Collection method: clinical testing. Allele origin: germline. Affected: yes. Observed: 1 variant allele.
Comment: C2: BP4, BP7